The following is an entry in ClinVar:

NM_004287.5(GOSR2):c.477+114A>G

Genes: GOSR2 (golgi SNAP receptor complex member 2; plus strand), LRRC37A2 (leucine rich repeat containing 37 member A2). Cytogenetic location: 17q21.32.
Variant type: single nucleotide variant.
Coding change: c.477+114A>G on transcript NM_004287.5 (MANE Select); 114 bases into the intron after coding-DNA position 477, A replaced by G.
Molecular consequence: intron variant. On other transcripts: 3 prime UTR variant (1).
Genome position (GRCh38, 1-based): chr17:46,935,283, A>G. VCF-style: chr17-46935283-A-G. GRCh37 (hg19) VCF-style: chr17-45012649-A-G.
Other names: c.*3A>G (NM_001012511.3); c.477+114A>G (NM_001321133.2, NM_054022.4); c.423+114A>G (NM_001363851.2); c.282+3084A>G (NM_001321134.2); c.336+3084A>G (NM_001330252.2); c.474+114A>G (NM_001353114.2); c.333+3084A>G (NM_001353115.2, NM_001353116.2).
Identifiers: ClinVar variation 4980586 (VCV004980586.1).

ClinVar aggregate classification (germline): Likely benign (1 of 4 stars; one submission).

Conditions:
GOSR2-related disorder. Also called: GOSR2-related condition; GOSR2-related disorders.

gnomAD v4.1: 296 of 1,592,762 alleles (0.019%); highest among the groups gnomAD compares: African/African-American, 0.36%; no homozygotes.

Submission:

PreventionGenetics, part of Exact Sciences
Classification: Likely benign for GOSR2-related condition. Last evaluated: 2026-06-10. Review status: criteria provided, single submitter. Criteria: ACMG Guidelines, 2015. Collection method: clinical testing. Allele origin: germline.
Comment: This variant is classified as likely benign based on ACMG/AMP sequence variant interpretation guidelines (Richards et al. 2015 PMID: 25741868, with internal and published modifications).